The following is an entry in ClinVar:

NM_004329.3(BMPR1A):c.118G>T (p.Asp40Tyr)

Gene: BMPR1A (bone morphogenetic protein receptor type 1A; plus strand). Cytogenetic location: 10q23.2.
Variant type: single nucleotide variant.
Coding change: c.118G>T on transcript NM_004329.3 (MANE Select); coding-DNA position 118, G replaced by T.
Protein change: p.Asp40Tyr; replaces aspartic acid 40 with tyrosine.
Molecular consequence: missense variant.
Genome position (GRCh38, 1-based): chr10:86,890,112, G>T. VCF-style: chr10-86890112-G-T. GRCh37 (hg19) VCF-style: chr10-88649869-G-T.
Other names: short protein forms D40Y.
Identifiers: ClinVar variation 1495312 (VCV001495312.10), dbSNP rs587781556, ClinGen allele CA377446490.

ClinVar aggregate classification (germline): Uncertain significance. Review status: criteria provided, multiple submitters, no conflicts (2 of 4 stars). 2 submissions from 2 submitters: Uncertain significance (2). Last evaluated 2021-11-08.

Conditions:
Hereditary cancer-predisposing syndrome. Also called: Tumor predisposition; Hereditary neoplastic syndrome; Neoplastic Syndromes, Hereditary; Hereditary Cancer Syndrome. Identifiers: Orphanet 140162, MedGen C0027672, MeSH D009386, MONDO:0015356.
Juvenile polyposis syndrome (JPS). Identifiers: Orphanet 2929, MedGen C0345893, MONDO:0017380, OMIM 174900.

Submissions (2):

Ambry Genetics
Classification: Uncertain significance for Hereditary cancer-predisposing syndrome. Last evaluated: 2021-11-08. Review status: criteria provided, single submitter. Criteria: Ambry Variant Classification Scheme 2023. Collection method: clinical testing. Allele origin: germline.
Comment: The p.D40Y variant (also known as c.118G>T), located in coding exon 2 of the BMPR1A gene, results from a G to T substitution at nucleotide position 118. The aspartic acid at codon 40 is replaced by tyrosine, an amino acid with highly dissimilar properties. This amino acid position is not well conserved in available vertebrate species. In addition, this alteration is predicted to be tolerated by in silico analysis. Since supporting evidence is limited at this time, the clinical significance of this alteration remains unclear.

Labcorp Genetics (formerly Invitae), Labcorp
Classification: Uncertain significance for Juvenile polyposis syndrome. Last evaluated: 2020-12-22. Review status: criteria provided, single submitter. Criteria: Invitae Variant Classification Sherloc (09022015). Collection method: clinical testing. Allele origin: germline.
Comment: In summary, the available evidence is currently insufficient to determine the role of this variant in disease. Therefore, it has been classified as a Variant of Uncertain Significance. Advanced modeling of protein sequence and biophysical properties (such as structural, functional, and spatial information, amino acid conservation, physicochemical variation, residue mobility, and thermodynamic stability) performed at Invitae indicates that this missense variant is not expected to disrupt BMPR1A protein function. This variant has not been reported in the literature in individuals with BMPR1A-related conditions. This variant is not present in population databases (ExAC no frequency). This sequence change replaces aspartic acid with tyrosine at codon 40 of the BMPR1A protein (p.Asp40Tyr). The aspartic acid residue is moderately conserved and there is a large physicochemical difference between aspartic acid and tyrosine.